The following is an entry in ClinVar:

ClinVar aggregate classification (germline): Benign (0 of 4 stars; one submission).

Conditions:
GNAI1-related disorder.

Allele frequency attached by ClinVar (database versions not stated): gnomAD exomes 0.00564; ExAC 0.01924; gnomAD 0.05924; TOPMed 0.06758; ESP Exome Variant Server 0.06851; 1000 Genomes Project 0.07508; 1000 Genomes Project 30x 0.08401.
gnomAD v4.1: 17,577 of 1,612,860 alleles (1.1%); highest among the groups gnomAD compares: African/African-American, 21%; 1,729 homozygotes.

Submission:

PreventionGenetics, part of Exact Sciences
Classification: Benign for GNAI1-related condition. Last evaluated: 2019-12-23. Review status: no assertion criteria provided. Collection method: clinical testing. Allele origin: germline.
Comment: This variant is classified as benign based on ACMG/AMP sequence variant interpretation guidelines (Richards et al. 2015 PMID: 25741868, with internal and published modifications).

NM_002069.6(GNAI1):c.645C>T (p.Phe215=)

Gene: GNAI1 (G protein subunit alpha i1; plus strand). Cytogenetic location: 7q21.11.
Variant type: single nucleotide variant.
Coding change: c.645C>T on transcript NM_002069.6 (MANE Select); coding-DNA position 645, C replaced by T.
Protein change: p.Phe215=; no amino-acid change (phenylalanine 215 retained).
Molecular consequence: synonymous variant.
Genome position (GRCh38, 1-based): chr7:80,211,023, C>T. VCF-style: chr7-80211023-C-T. GRCh37 (hg19) VCF-style: chr7-79840339-C-T.
Other names: c.489C>T, p.Phe163= (NM_001256414.2).
Identifiers: ClinVar variation 3056616 (VCV003056616.2), dbSNP rs12721454, ClinGen allele CA4314589.